The following is an entry in ClinVar:

ClinVar aggregate classification (germline): Pathogenic (1 of 4 stars; one submission).

Conditions:
Arrhythmogenic right ventricular dysplasia 8 (ARVD8). Also called: Arrhythmogenic Right Ventricular Dysplasia/Cardiomyopathy 8; ARRHYTHMOGENIC RIGHT VENTRICULAR DYSPLASIA, FAMILIAL, 8; ARRHYTHMOGENIC RIGHT VENTRICULAR CARDIOMYOPATHY 8. Identifiers: MedGen C1843896, MONDO:0011831, OMIM 607450.
Arrhythmogenic cardiomyopathy with wooly hair and keratoderma. Also called: PALMOPLANTAR KERATODERMA WITH LEFT VENTRICULAR CARDIOMYOPATHY AND WOOLLY HAIR; Carvajal syndrome; Arrhythmogenic cardiomyopathy with woolly hair and keratoderma; Dilated cardiomyopathy with woolly hair and keratoderma. Identifiers: Orphanet 65282, MedGen C1854063, MONDO:0011581, OMIM 605676.

Submission:

Labcorp Genetics (formerly Invitae), Labcorp
Classification: Pathogenic for Arrhythmogenic cardiomyopathy with wooly hair and keratoderma; Arrhythmogenic right ventricular dysplasia 8. Last evaluated: 2020-01-31. Review status: criteria provided, single submitter. Criteria: Invitae Variant Classification Sherloc (09022015). Collection method: clinical testing. Allele origin: germline.
Comment: This sequence change creates a premature translational stop signal (p.Trp1155*) in the DSP gene. It is expected to result in an absent or disrupted protein product. This variant is not present in population databases (ExAC no frequency). This variant has not been reported in the literature in individuals with DSP-related conditions. Loss-of-function variants in DSP are known to be pathogenic (PMID: 20716751, 24503780, 25227139). For these reasons, this variant has been classified as Pathogenic.

Literature cited by the submitters: PubMed 20716751; PubMed 24503780; PubMed 25227139.

NM_004415.4(DSP):c.3465G>A (p.Trp1155Ter)

Gene: DSP (desmoplakin; plus strand). Cytogenetic location: 6p24.3.
Variant type: single nucleotide variant.
Coding change: c.3465G>A on transcript NM_004415.4 (MANE Select); coding-DNA position 3465, G replaced by A.
Protein change: p.Trp1155Ter; replaces tryptophan 1155 with a stop codon.
Molecular consequence: nonsense.
Genome position (GRCh38, 1-based): chr6:7,579,655, G>A. VCF-style: chr6-7579655-G-A. GRCh37 (hg19) VCF-style: chr6-7579888-G-A.
Other names: c.3465G>A, p.Trp1155Ter (NM_001008844.3, NM_001319034.2); short protein forms W1155*.
Identifiers: ClinVar variation 1071328 (VCV001071328.10), dbSNP rs1759354150, ClinGen allele CA362684120.
Genomic context (GRCh38, chr6:7,579,655, plus strand): 5'-GAAGAATGACTATGACCAACTGCAGAAAGCAAGGCAATGTGAAAAGGAGAACCTTGGTTG[G>A]CAGAAATTAGAGTCTGAGAAAGCCATCAAGGAGAAGGAGTACGAGATTGAAAGGTTGAGG-3'